The following is an entry in ClinVar:

ClinVar aggregate classification (germline): Uncertain significance (1 of 4 stars; one submission).

Conditions:
Cardiovascular phenotype. Identifiers: MedGen CN230736.

Allele frequency attached by ClinVar (database versions not stated): gnomAD exomes below 0.00001; TOPMed below 0.00001.
gnomAD v4.1: 6 of 1,613,664 alleles (0.00037%); highest among the groups gnomAD compares: Non-Finnish European, 0.00051%; no homozygotes.

Submission:

Ambry Genetics
Classification: Uncertain significance for Cardiovascular phenotype. Last evaluated: 2020-06-04. Review status: criteria provided, single submitter. Criteria: Ambry Variant Classification Scheme 2023. Collection method: clinical testing. Allele origin: germline.
Comment: The p.P1361Q variant (also known as c.4082C>A), located in coding exon 23 of the TTN gene, results from a C to A substitution at nucleotide position 4082. The proline at codon 1361 is replaced by glutamine, an amino acid with similar properties. This amino acid position is highly conserved in available vertebrate species. In addition, this alteration is predicted to be tolerated by in silico analysis. Since supporting evidence is limited at this time, the clinical significance of this alteration remains unclear.

NM_001267550.2(TTN):c.4220C>A (p.Pro1407Gln)

Genes: TTN (titin; minus strand), LOC101927055 (uncharacterized LOC101927055; plus strand). Cytogenetic location: 2q31.2.
Variant type: single nucleotide variant.
Coding change: c.4220C>A on transcript NM_001267550.2 (MANE Select); coding-DNA position 4220, C replaced by A.
Protein change: p.Pro1407Gln; replaces proline 1407 with glutamine.
Molecular consequence: missense variant. On other transcripts: non-coding transcript variant (1).
Genome position (GRCh38, 1-based): chr2:178,777,964, G>T on the plus strand (C>A on the coding strand, the complement: TTN is on the minus strand). VCF-style: chr2-178777964-G-T. GRCh37 (hg19) VCF-style: chr2-179642691-G-T.
Other names: c.4220C>A, p.Pro1407Gln (NM_001256850.1, NM_133378.4, NM_133379.5); c.4082C>A, p.Pro1361Gln (NM_003319.4, NM_133432.3, NM_133437.4); short protein forms P1361Q, P1407Q.
Identifiers: ClinVar variation 1737642 (VCV001737642.2), dbSNP rs2092402007, ClinGen allele CA349471464.